The following is an entry in ClinVar:

NM_012123.4(MTO1):c.1368T>C (p.Thr456=)

Gene: MTO1 (mitochondrial tRNA translation optimization 1; plus strand). Cytogenetic location: 6q13.
Variant type: single nucleotide variant.
Coding change: c.1368T>C on transcript NM_012123.4 (MANE Select); coding-DNA position 1368, T replaced by C.
Protein change: p.Thr456=; no amino-acid change (threonine 456 retained).
Molecular consequence: synonymous variant.
Genome position (GRCh38, 1-based): chr6:73,482,147, T>C. VCF-style: chr6-73482147-T-C. GRCh37 (hg19) VCF-style: chr6-74191870-T-C.
Other names: p.T456T:ACT>ACC; p.Thr456=; c.1488T>C, p.Thr496= (NM_001123226.2); c.1443T>C, p.Thr481= (NM_133645.3).
Identifiers: ClinVar variation 138275 (VCV000138275.37), dbSNP rs115654622, ClinGen allele CA292191.

ClinVar aggregate classification (germline): Benign/Likely benign. Review status: criteria provided, multiple submitters, no conflicts (2 of 4 stars). 5 submissions from 5 submitters: Benign (4); Likely benign (1). Last evaluated 2026-02-02.

Conditions:
Mitochondrial hypertrophic cardiomyopathy with lactic acidosis due to MTO1 deficiency. Also called: CARDIOMYOPATHY, INFANTILE HYPERTROPHIC MITOCHONDRIAL, AND LACTIC ACIDOSIS; Combined oxidative phosphorylation deficiency 10. Identifiers: Orphanet 314637, MedGen C4749921, MONDO:0013865, OMIM 614702.

Allele frequency attached by ClinVar (database versions not stated): gnomAD exomes 0.00055 and 0.00140; ExAC 0.00171; 1000 Genomes Project 30x 0.00375; 1000 Genomes Project 0.00399; gnomAD 0.00422 and 0.00454; TOPMed 0.00469; ESP Exome Variant Server 0.00515.

Submissions (5):

Labcorp Genetics (formerly Invitae), Labcorp
Classification: Benign for Mitochondrial hypertrophic cardiomyopathy with lactic acidosis due to MTO1 deficiency. Last evaluated: 2026-02-02. Review status: criteria provided, single submitter. Criteria: Invitae Variant Classification Sherloc (09022015). Collection method: clinical testing. Allele origin: germline.

Blueprint Genetics
Classification: Likely benign. Last evaluated: 2024-11-01. Review status: criteria provided, single submitter. Criteria: ACMG Guidelines, 2015. Collection method: clinical testing. Allele origin: germline.

CeGaT Center for Human Genetics Tuebingen
Classification: Benign. Last evaluated: 2023-05-01. Review status: criteria provided, single submitter. Criteria: CeGaT Center For Human Genetics Tuebingen Variant Classification Criteria Version 2. Collection method: clinical testing. Allele origin: germline. Affected: yes. Observed: 1 variant allele.
Comment: MTO1: BP4, BP7, BS1, BS2

Mayo Clinic Laboratories, Mayo Clinic
Classification: Benign. Last evaluated: 2023-04-19. Review status: criteria provided, single submitter. Criteria: ACMG Guidelines, 2015. Collection method: clinical testing. Allele origin: germline. Observed: 8 variant alleles.
Comment: BS1, BS2, BP4, BP7

GeneDx
Classification: Benign. Last evaluated: 2013-11-25. Review status: criteria provided, single submitter. Criteria: GeneDx Variant Classification (06012015). Collection method: clinical testing. Allele origin: germline. Affected: yes.
Comment: This variant is considered likely benign or benign based on one or more of the following criteria: it is a conservative change, it occurs at a poorly conserved position in the protein, it is predicted to be benign by multiple in silico algorithms, and/or has population frequency not consistent with disease.